The following is an entry in ClinVar:

ClinVar aggregate classification (germline): Pathogenic (1 of 4 stars; one submission).

Conditions:
Retinoblastoma (RB1). Also called: RETINOBLASTOMA, SOMATIC. Identifiers: Orphanet 790, MedGen C0035335, MeSH D012175, MONDO:0008380, OMIM 180200, HP:0009919. Disease mechanism: loss of function. Inheritance: Both sporadic and heritable forms are tested..

Submission:

Labcorp Genetics (formerly Invitae), Labcorp
Classification: Pathogenic for Retinoblastoma. Last evaluated: 2020-10-29. Review status: criteria provided, single submitter. Criteria: Invitae Variant Classification Sherloc (09022015). Collection method: clinical testing. Allele origin: germline.
Comment: For these reasons, this variant has been classified as Pathogenic. This variant has not been reported in the literature in individuals with RB1-related conditions. This variant is not present in population databases (ExAC no frequency). This sequence change creates a premature translational stop signal (p.Thr726*) in the RB1 gene. It is expected to result in an absent or disrupted protein product. Loss-of-function variants in RB1 are known to be pathogenic (PMID: 17096365).

Literature cited by the submitters: PubMed 17096365.

NM_000321.3(RB1):c.2173_2174dup (p.Val725_Thr726insTer)

Gene: RB1 (RB transcriptional corepressor 1; plus strand). Cytogenetic location: 13q14.2.
Variant type: Duplication.
Coding change: c.2173_2174dup on transcript NM_000321.3 (MANE Select); coding-DNA positions 2173 to 2174, 2 bases duplicated (GT; older notation c.2173_2174dupGT).
Protein change: p.Val725_Thr726insTer.
Molecular consequence: frameshift variant.
Genome position (GRCh38, 1-based): chr13:48,463,797-48,463,798, GT duplicated; duplicating any 2 consecutive bases within chr13:48,463,796-48,463,798 gives the same sequence; the c. name uses the placement nearest the transcript's 3' end. VCF-style (leftmost placement, unchanged base first): chr13-48463795-T-TTG. GRCh37 (hg19) VCF-style: chr13-49037931-T-TTG.
Identifiers: ClinVar variation 1428173 (VCV001428173.6), dbSNP rs2138342499, ClinGen allele CA2573149600.